The following is an entry in ClinVar:

ClinVar aggregate classification (germline): Conflicting classifications of pathogenicity. Review status: criteria provided, conflicting classifications (1 of 4 stars). 3 submissions from 3 submitters: Uncertain significance (2); Likely benign (1). Last evaluated 2026-06-02.

Conditions:
Inborn genetic diseases. Identifiers: MedGen C0950123, MeSH D030342.
Bardet-Biedl syndrome (BBS). Identifiers: Orphanet 110, MedGen C0752166, MONDO:0015229.
BBS1-related disorder. Also called: BBS1-related condition.

Allele frequency attached by ClinVar (database versions not stated): gnomAD exomes 0.00001; TOPMed 0.00002; gnomAD 0.00003.
gnomAD v4.1: 24 of 1,614,000 alleles (0.0015%); highest among the groups gnomAD compares: Admixed American, 0.01%; no homozygotes.

Submissions (3):

PreventionGenetics, part of Exact Sciences
Classification: Uncertain significance for BBS1-related condition. Last evaluated: 2026-06-02. Review status: criteria provided, single submitter. Criteria: ACMG Guidelines, 2015. Collection method: clinical testing. Allele origin: germline.
Comment: The BBS1 c.59A>G variant is predicted to result in the amino acid substitution p.Asn20Ser. To our knowledge, this variant has not been reported in the literature or in a large population database (gnomAD), indicating this variant is rare. At this time, the clinical significance of this variant is uncertain due to the absence of conclusive functional and genetic evidence.

Ambry Genetics
Classification: Likely benign for Inborn genetic diseases. Last evaluated: 2025-12-04. Review status: criteria provided, single submitter. Criteria: Ambry Variant Classification Scheme 2023. Collection method: clinical testing. Allele origin: germline.

Labcorp Genetics (formerly Invitae), Labcorp
Classification: Uncertain significance for Bardet-Biedl syndrome. Last evaluated: 2022-07-24. Review status: criteria provided, single submitter. Criteria: Invitae Variant Classification Sherloc (09022015). Collection method: clinical testing. Allele origin: germline.
Comment: This sequence change replaces asparagine, which is neutral and polar, with serine, which is neutral and polar, at codon 20 of the BBS1 protein (p.Asn20Ser). This variant is not present in population databases (gnomAD no frequency). This variant has not been reported in the literature in individuals affected with BBS1-related conditions. Algorithms developed to predict the effect of missense changes on protein structure and function output the following: SIFT: "Tolerated"; PolyPhen-2: "Benign"; Align-GVGD: "Class C0". The serine amino acid residue is found in multiple mammalian species, which suggests that this missense change does not adversely affect protein function. In summary, the available evidence is currently insufficient to determine the role of this variant in disease. Therefore, it has been classified as a Variant of Uncertain Significance.

NM_024649.5(BBS1):c.59A>G (p.Asn20Ser)

Gene: BBS1 (Bardet-Biedl syndrome 1; plus strand). Cytogenetic location: 11q13.2.
Variant type: single nucleotide variant.
Coding change: c.59A>G on transcript NM_024649.5 (MANE Select); coding-DNA position 59, A replaced by G.
Protein change: p.Asn20Ser; replaces asparagine 20 with serine.
Molecular consequence: missense variant.
Genome position (GRCh38, 1-based): chr11:66,511,024, A>G. VCF-style: chr11-66511024-A-G. GRCh37 (hg19) VCF-style: chr11-66278495-A-G.
Other names: c.59A>G (NM_024649.4); short protein forms N20S.
Identifiers: ClinVar variation 1984600 (VCV001984600.3), dbSNP rs879216710, ClinGen allele CA224071420.